The following is an entry in ClinVar:

NM_001184880.2(PCDH19):c.1155del (p.Gln385fs)

Gene: PCDH19 (protocadherin 19; minus strand). Cytogenetic location: Xq22.1.
Variant type: Deletion.
Coding change: c.1155del on transcript NM_001184880.2 (MANE Select); coding-DNA position 1155, one base deleted (G; older notation c.1155delG).
Protein change: p.Gln385fs; shifts the reading frame from glutamine 385.
Molecular consequence: frameshift variant.
Genome position (GRCh38, 1-based): chrX:100,407,443, C deleted on the plus strand (G on the coding strand, the reverse complement: PCDH19 is on the minus strand). VCF-style (leftmost placement, unchanged base first): chrX-100407442-AC-A. GRCh37 (hg19) VCF-style: chrX-99662440-AC-A.
Other names: c.1155del, p.Gln385fs (NM_001105243.2, NM_020766.3); short protein forms Q385fs.
Identifiers: ClinVar variation 2727031 (VCV002727031.3), dbSNP rs2520985191, ClinGen allele CA2697553222.

ClinVar aggregate classification (germline): Pathogenic (1 of 4 stars; one submission).

Conditions:
Developmental and epileptic encephalopathy, 9 (DEE9). Also called: Early infantile epileptic encephalopathy 9; EPILEPSY, FEMALE-RESTRICTED, WITH MENTAL RETARDATION; JUBERG-HELLMAN SYNDROME; PCDH19-Related X-Linked Female-Limited Epilepsy with Mental Retardation. Identifiers: Orphanet 101039, Orphanet 2076, MedGen C1848137, MONDO:0010246, OMIM 300088. Disease mechanism: loss of function.

Submission:

Labcorp Genetics (formerly Invitae), Labcorp
Classification: Pathogenic for Developmental and epileptic encephalopathy, 9. Last evaluated: 2023-06-24. Review status: criteria provided, single submitter. Criteria: Invitae Variant Classification Sherloc (09022015). Collection method: clinical testing. Allele origin: germline.
Comment: This sequence change creates a premature translational stop signal (p.Gln385Hisfs*184) in the PCDH19 gene. It is expected to result in an absent or disrupted protein product. Loss-of-function variants in PCDH19 are known to be pathogenic (PMID: 21053371). This variant is not present in population databases (gnomAD no frequency). For these reasons, this variant has been classified as Pathogenic. This variant has not been reported in the literature in individuals affected with PCDH19-related conditions.

Literature cited by the submitters: PubMed 21053371.